The following is an entry in ClinVar:

NM_000372.5(TYR):c.893G>A (p.Arg298Gln)

Gene: TYR (tyrosinase; plus strand). Cytogenetic location: 11q14.3.
Variant type: single nucleotide variant.
Coding change: c.893G>A on transcript NM_000372.5 (MANE Select); coding-DNA position 893, G replaced by A.
Protein change: p.Arg298Gln; replaces arginine 298 with glutamine.
Molecular consequence: missense variant.
Genome position (GRCh38, 1-based): chr11:89,191,275, G>A. VCF-style: chr11-89191275-G-A. GRCh37 (hg19) VCF-style: chr11-88924443-G-A.
Other names: c.893G>A (NM_000372.4); short protein forms R298Q.
Identifiers: ClinVar variation 1403571 (VCV001403571.6), dbSNP rs148815276, ClinGen allele CA6221254.

ClinVar aggregate classification (germline): Uncertain significance. Review status: criteria provided, multiple submitters, no conflicts (2 of 4 stars). 3 submissions from 3 submitters: Uncertain significance (3). Last evaluated 2026-03-20.

Conditions:
Inborn genetic diseases. Identifiers: MedGen C0950123, MeSH D030342.

Allele frequency attached by ClinVar (database versions not stated): 1000 Genomes Project 30x 0.00031; ESP Exome Variant Server 0.00008; gnomAD exomes 0.00005; gnomAD 0.00006; TOPMed 0.00006.
gnomAD v4.1: 79 of 1,613,550 alleles (0.0049%); highest among the groups gnomAD compares: South Asian, 0.033%; no homozygotes.

Submissions (3):

GeneDx
Classification: Uncertain significance. Last evaluated: 2026-03-20. Review status: criteria provided, single submitter. Criteria: GeneDx Variant Classification Process June 2021. Collection method: clinical testing. Allele origin: germline.
Comment: In silico analysis suggests that this missense variant does not alter protein structure/function; Has not been previously published as pathogenic or benign to our knowledge

Labcorp Genetics (formerly Invitae), Labcorp
Classification: Uncertain significance. Last evaluated: 2024-11-11. Review status: criteria provided, single submitter. Criteria: Invitae Variant Classification Sherloc (09022015). Collection method: clinical testing. Allele origin: germline.
Comment: This sequence change replaces arginine, which is basic and polar, with glutamine, which is neutral and polar, at codon 298 of the TYR protein (p.Arg298Gln). This variant is present in population databases (rs148815276, gnomAD 0.04%). This variant has not been reported in the literature in individuals affected with TYR-related conditions. ClinVar contains an entry for this variant (Variation ID: 1403571). An algorithm developed to predict the effect of missense changes on protein structure and function outputs the following: PolyPhen-2: "Benign". The glutamine amino acid residue is found in multiple mammalian species, which suggests that this missense change does not adversely affect protein function. In summary, the available evidence is currently insufficient to determine the role of this variant in disease. Therefore, it has been classified as a Variant of Uncertain Significance.

Ambry Genetics
Classification: Uncertain significance for Inborn genetic diseases. Last evaluated: 2023-02-15. Review status: criteria provided, single submitter. Criteria: Ambry Variant Classification Scheme 2023. Collection method: clinical testing. Allele origin: germline.